The following is an entry in ClinVar:

ClinVar aggregate classification (germline): Uncertain significance (1 of 4 stars; one submission).

Conditions:
Charcot-Marie-Tooth disease type 4A. Also called: Charcot-Marie-Tooth disease, demyelinating, autosomal recessive, type 4a. Identifiers: Orphanet 99948, MedGen C1859198, MONDO:0008961, OMIM 214400.

Allele frequency attached by ClinVar (database versions not stated): ExAC 0.00001; ESP Exome Variant Server 0.00008.
gnomAD v4.1: 5 of 1,613,394 alleles (0.00031%); highest among the groups gnomAD compares: Non-Finnish European, 0.00042%; no homozygotes.

Submission:

Labcorp Genetics (formerly Invitae), Labcorp
Classification: Uncertain significance for Charcot-Marie-Tooth disease type 4A. Last evaluated: 2023-09-04. Review status: criteria provided, single submitter. Criteria: Invitae Variant Classification Sherloc (09022015). Collection method: clinical testing. Allele origin: germline.
Comment: In summary, the available evidence is currently insufficient to determine the role of this variant in disease. Therefore, it has been classified as a Variant of Uncertain Significance. Advanced modeling of protein sequence and biophysical properties (such as structural, functional, and spatial information, amino acid conservation, physicochemical variation, residue mobility, and thermodynamic stability) performed at Invitae indicates that this missense variant is not expected to disrupt GDAP1 protein function. This variant has not been reported in the literature in individuals affected with GDAP1-related conditions. This variant is present in population databases (rs148197760, gnomAD 0.003%). This sequence change replaces alanine, which is neutral and non-polar, with valine, which is neutral and non-polar, at codon 22 of the GDAP1 protein (p.Ala22Val).

NM_018972.4(GDAP1):c.65C>T (p.Ala22Val)

Genes: GDAP1 (ganglioside induced differentiation associated protein 1; plus strand), LOC130000622 (ATAC-STARR-seq lymphoblastoid active region 27542; plus strand). Cytogenetic location: 8q21.11.
Variant type: single nucleotide variant.
Coding change: c.65C>T on transcript NM_018972.4 (MANE Select); coding-DNA position 65, C replaced by T.
Protein change: p.Ala22Val; replaces alanine 22 with valine.
Molecular consequence: missense variant. On other transcripts: 5 prime UTR variant (2), intron variant (1).
Genome position (GRCh38, 1-based): chr8:74,350,526, C>T. VCF-style: chr8-74350526-C-T. GRCh37 (hg19) VCF-style: chr8-75262761-C-T.
Other names: c.-118C>T (NM_001362929.2); c.65C>T, p.Ala22Val (NM_001362930.2, NM_001362931.2); c.-70C>T (NM_001362932.2); c.-64+54C>T (NM_001040875.4); short protein forms A22V.
Identifiers: ClinVar variation 3008174 (VCV003008174.3), dbSNP rs148197760, ClinGen allele CA4785009.
Genomic context (GRCh38, chr8:74,350,526, plus strand): 5'-CTGAGAGGCAGGAAGAGCAGAGAGGGAGCCCGCCCTTGAGGGCGGAAGGCAAGGCCGACG[C>T]GGAGGTTAAGCTCATTCTGTACCATTGGACGCATTCCTTCAGCTCTCAAAAGGTACAACA-3'
Protein context (NP_061845.2, residues 12-32): PPLRAEGKAD[Ala22Val]EVKLILYHWT